The following is an entry in ClinVar:

ClinVar aggregate classification (germline): Pathogenic (1 of 4 stars; one submission).

Conditions:
Symmetrical dyschromatosis of extremities (DSH). Also called: RETICULATE ACROPIGMENTATION OF DOHI; SYMMETRIC DYSCHROMATOSIS OF THE EXTREMITIES; DYSCHROMATOSIS SYMMETRICA HEREDITARIA 1; Dyschromatosis symmetrica hereditaria. Identifiers: Orphanet 41, MedGen C0406775, MONDO:0007483, OMIM 127400.
Aicardi-Goutieres syndrome 6 (AGS6). Identifiers: Orphanet 51, MedGen C3539013, MONDO:0014007, OMIM 615010.

Allele frequency attached by ClinVar (database versions not stated): gnomAD 0.00002.
gnomAD v4.1: 10 of 1,614,092 alleles (0.00062%); highest among the groups gnomAD compares: East Asian, 0.0022%; no homozygotes.

Submission:

Labcorp Genetics (formerly Invitae), Labcorp
Classification: Pathogenic for Aicardi-Goutieres syndrome 6; Symmetrical dyschromatosis of extremities. Last evaluated: 2023-04-15. Review status: criteria provided, single submitter. Criteria: Invitae Variant Classification Sherloc (09022015). Collection method: clinical testing. Allele origin: germline.
Comment: For these reasons, this variant has been classified as Pathogenic. Advanced modeling of protein sequence and biophysical properties (such as structural, functional, and spatial information, amino acid conservation, physicochemical variation, residue mobility, and thermodynamic stability) has been performed at Invitae for this missense variant, however the output from this modeling did not meet the statistical confidence thresholds required to predict the impact of this variant on ADAR protein function. This missense change has been observed in individual(s) with autosomal dominant dyschromatosis symmetrica hereditaria (PMID: 17569068). It has also been observed to segregate with disease in related individuals. This variant is present in population databases (no rsID available, gnomAD 0.01%). This sequence change replaces arginine, which is basic and polar, with histidine, which is basic and polar, at codon 1042 of the ADAR protein (p.Arg1042His).

Literature cited by the submitters: PubMed 17569068.

NM_001111.5(ADAR):c.3125G>A (p.Arg1042His)

Gene: ADAR (adenosine deaminase RNA specific; minus strand). Cytogenetic location: 1q21.3.
Variant type: single nucleotide variant.
Coding change: c.3125G>A on transcript NM_001111.5 (MANE Select); coding-DNA position 3125, G replaced by A.
Protein change: p.Arg1042His; replaces arginine 1042 with histidine.
Molecular consequence: missense variant.
Genome position (GRCh38, 1-based): chr1:154,586,258, C>T on the plus strand (G>A on the coding strand, the complement: ADAR is on the minus strand). VCF-style: chr1-154586258-C-T. GRCh37 (hg19) VCF-style: chr1-154558734-C-T.
Other names: c.2240G>A, p.Arg747His (NM_001025107.3, NM_001193495.2, NM_001365046.1 and 2 more transcripts); c.3152G>A, p.Arg1051His (NM_001365045.1); c.2162G>A, p.Arg721His (NM_001365049.1); c.3047G>A, p.Arg1016His (NM_015840.4); c.2990G>A, p.Arg997His (NM_015841.4); short protein forms R1016H, R747H, R997H, R1042H, R1051H, R721H.
Identifiers: ClinVar variation 2925295 (VCV002925295.3), dbSNP rs1378400148, ClinGen allele CA342635677.